The following is an entry in ClinVar:

NM_001267550.2(TTN):c.44077C>T (p.Arg14693Cys)

Gene: TTN (titin; minus strand). Cytogenetic location: 2q31.2.
Variant type: single nucleotide variant.
Coding change: c.44077C>T on transcript NM_001267550.2 (MANE Select); coding-DNA position 44077, C replaced by T.
Protein change: p.Arg14693Cys; replaces arginine 14693 with cysteine.
Molecular consequence: missense variant.
Genome position (GRCh38, 1-based): chr2:178,630,881, G>A on the plus strand (C>T on the coding strand, the complement: TTN is on the minus strand). VCF-style: chr2-178630881-G-A. GRCh37 (hg19) VCF-style: chr2-179495608-G-A.
Other names: p.R12125C:CGC>TGC; c.17257C>T, p.Arg5753Cys (NM_133432.3); c.17458C>T, p.Arg5820Cys (NM_133437.4); c.39154C>T, p.Arg13052Cys (NM_001256850.1); c.16882C>T, p.Arg5628Cys (NM_003319.4); c.36373C>T, p.Arg12125Cys (NM_133378.4); short protein forms R14693C, R13052C, R12125C, R5628C, R5753C, R5820C.
Identifiers: ClinVar variation 194910 (VCV000194910.36), dbSNP rs200445568, ClinGen allele CA302785.

ClinVar aggregate classification (germline): Conflicting classifications of pathogenicity. Review status: criteria provided, conflicting classifications (1 of 4 stars). 12 submissions from 12 submitters: Uncertain significance (2); Benign (1); Likely benign (6). 3 of the submissions do not count toward it. Last evaluated 2026-03-27.

Conditions:
TTN-related disorder. Also called: TTN-related disorders; TTN-related condition; TTN-related disease.
Autosomal recessive limb-girdle muscular dystrophy type 2J (LGMDR10). Also called: Limb-girdle muscular dystrophy, type 2J; MUSCULAR DYSTROPHY, LIMB-GIRDLE, AUTOSOMAL RECESSIVE 10. Identifiers: Orphanet 140922, MedGen C1837342, MONDO:0012127, OMIM 608807.
Dilated cardiomyopathy 1G (CMD1G). Identifiers: Orphanet 154, MedGen C1858763, MONDO:0011400, OMIM 604145.
Cardiovascular phenotype. Identifiers: MedGen CN230736.
Cardiomyopathy (CMYO). Also called: Cardiomyopathies. Identifiers: Orphanet 167848, MedGen C0878544, MONDO:0004994, HP:0001638. Inheritance: Various modes of inheritance.

Allele frequency attached by ClinVar (database versions not stated): gnomAD exomes 0.00008 and 0.00017; ExAC 0.00022; 1000 Genomes Project 30x 0.00047; ESP Exome Variant Server 0.00049; 1000 Genomes Project 0.00060; gnomAD 0.00075 and 0.00083; TOPMed 0.00081.
gnomAD v4.1: 242 of 1,613,232 alleles (0.015%); highest among the groups gnomAD compares: African/African-American, 0.25%; no homozygotes.

Submissions (12):

Molecular Diagnostic Laboratory for Inherited Cardiovascular Disease, Montreal Heart Institute
Classification: Likely benign. Last evaluated: 2026-03-27. Review status: criteria provided, single submitter. Criteria: ACMG Guidelines, 2015. Collection method: clinical testing. Allele origin: germline. Affected: no.
Comment: BS1;BP1

Labcorp Genetics (formerly Invitae), Labcorp
Classification: Likely benign for Dilated cardiomyopathy 1G; Autosomal recessive limb-girdle muscular dystrophy type 2J. Last evaluated: 2026-02-02. Review status: criteria provided, single submitter. Criteria: Invitae Variant Classification Sherloc (09022015). Collection method: clinical testing. Allele origin: germline.

Women's Health and Genetics/Laboratory Corporation of America, LabCorp
Classification: Likely benign. Last evaluated: 2025-06-10. Review status: criteria provided, single submitter. Criteria: LabCorp Variant Classification Summary - May 2015. Collection method: clinical testing. Allele origin: germline.
Comment: Variant summary: TTN c.36373C>T (p.Arg12125Cys) results in a non-conservative amino acid change in the encoded protein sequence. Algorithms developed to predict the effect of missense changes on protein structure and function are either unavailable or do not agree on the potential impact of this missense change. The variant allele was found at a frequency of 0.00017 in 248510 control chromosomes, predominantly at a frequency of 0.0022 within the African or African-American subpopulation in the gnomAD database. The observed variant frequency within African or African-American control individuals in the gnomAD database is approximately 5.63 fold of the estimated maximal expected allele frequency for a pathogenic variant in TTN causing Dilated Cardiomyopathy phenotype (0.00039). c.36373C>T has been reported in the literature in one individual affected with sudden cardiac death (Campuzano_2018). These report(s) do not provide unequivocal conclusions about association of the variant with TTN-related conditions. To our knowledge, no experimental evidence demonstrating an impact on protein function has been reported. The following publications have been ascertained in the context of this evaluation (PMID: 30086531, 34598035, 27302369, 27149842, 26771497). ClinVar contains an entry for this variant (Variation ID: 194910). Based on the evidence outlined above, the variant was classified as likely benign.

Blueprint Genetics
Classification: Likely benign. Last evaluated: 2021-11-24. Review status: criteria provided, single submitter. Criteria: ACMG Guidelines, 2015. Collection method: clinical testing. Allele origin: germline.

GeneDx
Classification: Likely benign. Last evaluated: 2020-10-01. Review status: criteria provided, single submitter. Criteria: GeneDx Variant Classification Process June 2021. Collection method: clinical testing. Allele origin: germline. Affected: yes.

CHEO Genetics Diagnostic Laboratory, Children's Hospital of Eastern Ontario
Classification: Benign for Cardiomyopathy. Last evaluated: 2020-07-20. Review status: criteria provided, single submitter. Criteria: ACMG Guidelines, 2015. Collection method: clinical testing. Allele origin: germline. Study: Canadian Open Genetics Repository.

Ambry Genetics
Classification: Likely benign for Cardiovascular phenotype. Last evaluated: 2018-12-05. Review status: criteria provided, single submitter. Criteria: Ambry Variant Classification Scheme 2023. Collection method: clinical testing. Allele origin: germline.

Laboratory for Molecular Medicine, Mass General Brigham Personalized Medicine
Classification: Uncertain significance. Last evaluated: 2015-01-28. Review status: criteria provided, single submitter. Criteria: LMM Criteria. Collection method: clinical testing. Allele origin: germline. Observed: 1 variant allele.
Comment: Variant classified as Uncertain Significance - Favor Benign. The p.Arg12125Cys v ariant in TTN has not been previously reported in individuals with cardiomyopath y, but has been identified in 0.2% (20/9970) of African chromosomes by the Exome Aggregation Consortium (ExAC; dbSNP rs200445568 ). Computational prediction tools and conservation analysis suggest that this va riant may impact the protein, though this information is not predictive enough t o determine pathogenicity. In summary, while the clinical significance of the p. Arg12125Cys variant is uncertain, its frequency suggests that it is more likely to be benign.

Eurofins Ntd Llc (ga)
Classification: Uncertain significance. Last evaluated: 2014-10-23. Review status: criteria provided, single submitter. Criteria: EGL Classification Definitions 2015. Collection method: clinical testing. Allele origin: germline. Observed: 3 variant alleles, 3 heterozygotes.

PreventionGenetics, part of Exact Sciences
Classification: Likely benign for TTN-related condition. Last evaluated: 2022-01-31. Review status: no assertion criteria provided. Collection method: clinical testing. Allele origin: germline. Not counted in ClinVar's aggregate classification.
Comment: This variant is classified as likely benign based on ACMG/AMP sequence variant interpretation guidelines (Richards et al. 2015 PMID: 25741868, with internal and published modifications).

Clinical Genetics DNA and cytogenetics Diagnostics Lab, Erasmus MC, Erasmus Medical Center
Classification: Likely benign. Review status: no assertion criteria provided. Collection method: clinical testing. Allele origin: germline. Affected: yes. Study: VKGL Data-share Consensus. Not counted in ClinVar's aggregate classification.

Clinical Genetics, Academic Medical Center
Classification: Likely benign. Review status: no assertion criteria provided. Collection method: clinical testing. Allele origin: germline. Affected: yes. Study: VKGL Data-share Consensus. Not counted in ClinVar's aggregate classification.

Literature cited by the submitters: PubMed 26771497 (cited by Women's Health and Genetics/Laboratory Corporation of America, LabCorp); PubMed 27149842 (cited by Women's Health and Genetics/Laboratory Corporation of America, LabCorp); PubMed 30086531 (cited by Women's Health and Genetics/Laboratory Corporation of America, LabCorp); PubMed 27302369 (cited by Women's Health and Genetics/Laboratory Corporation of America, LabCorp); PubMed 34598035 (cited by Women's Health and Genetics/Laboratory Corporation of America, LabCorp).